The following is an entry in ClinVar:

NM_006922.4(SCN3A):c.989G>A (p.Gly330Glu)

Gene: SCN3A (sodium voltage-gated channel alpha subunit 3; minus strand). Cytogenetic location: 2q24.3.
Variant type: single nucleotide variant.
Coding change: c.989G>A on transcript NM_006922.4 (MANE Select); coding-DNA position 989, G replaced by A.
Protein change: p.Gly330Glu; replaces glycine 330 with glutamic acid.
Molecular consequence: missense variant.
Genome position (GRCh38, 1-based): chr2:165,162,350, C>T on the plus strand (G>A on the coding strand, the complement: SCN3A is on the minus strand). VCF-style: chr2-165162350-C-T. GRCh37 (hg19) VCF-style: chr2-166018860-C-T.
Other names: c.989G>A, p.Gly330Glu (NM_001081676.2, NM_001081677.2); short protein forms G330E.
Identifiers: ClinVar variation 1023589 (VCV001023589.11), dbSNP rs1689457079, ClinGen allele CA349238776.

ClinVar aggregate classification (germline): Uncertain significance. Review status: criteria provided, multiple submitters, no conflicts (2 of 4 stars). 3 submissions from 3 submitters: Uncertain significance (3). Last evaluated 2026-04-20.

Conditions:
Inborn genetic diseases. Identifiers: MedGen C0950123, MeSH D030342.

Submissions (3):

Ambry Genetics
Classification: Uncertain significance for Inborn genetic diseases. Last evaluated: 2026-04-20. Review status: criteria provided, single submitter. Criteria: Ambry Variant Classification Scheme 2023. Collection method: clinical testing. Allele origin: germline.

GeneDx
Classification: Uncertain significance. Last evaluated: 2022-02-24. Review status: criteria provided, single submitter. Criteria: GeneDx Variant Classification Process June 2021. Collection method: clinical testing. Allele origin: germline. Affected: yes.
Comment: Not observed at significant frequency in large population cohorts (gnomAD); In silico analysis supports that this missense variant has a deleterious effect on protein structure/function; Has not been previously published as pathogenic or benign to our knowledge

Labcorp Genetics (formerly Invitae), Labcorp
Classification: Uncertain significance. Last evaluated: 2020-08-29. Review status: criteria provided, single submitter. Criteria: Invitae Variant Classification Sherloc (09022015). Collection method: clinical testing. Allele origin: germline.
Comment: In summary, the available evidence is currently insufficient to determine the role of this variant in disease. Therefore, it has been classified as a Variant of Uncertain Significance. Algorithms developed to predict the effect of missense changes on protein structure and function output the following: SIFT: "Deleterious"; PolyPhen-2: "Possibly Damaging"; Align-GVGD: "Class C0". The glutamic acid amino acid residue is found in multiple mammalian species, suggesting that this missense change does not adversely affect protein function. These predictions have not been confirmed by published functional studies and their clinical significance is uncertain. This variant has not been reported in the literature in individuals with SCN3A-related conditions. This variant is not present in population databases (ExAC no frequency). This sequence change replaces glycine with glutamic acid at codon 330 of the SCN3A protein (p.Gly330Glu). The glycine residue is highly conserved and there is a moderate physicochemical difference between glycine and glutamic acid.